The following is an entry in ClinVar:

ClinVar aggregate classification (germline): Uncertain significance. Review status: criteria provided, multiple submitters, no conflicts (2 of 4 stars). 2 submissions from 2 submitters: Uncertain significance (2). Last evaluated 2024-08-02.

Conditions:
Hereditary cancer-predisposing syndrome. Also called: Hereditary Cancer Syndrome; Neoplastic Syndromes, Hereditary; Tumor predisposition; Hereditary neoplastic syndrome. Identifiers: Orphanet 140162, MedGen C0027672, MeSH D009386, MONDO:0015356.

Submissions (2):

Ambry Genetics
Classification: Uncertain significance for Hereditary cancer-predisposing syndrome. Last evaluated: 2024-08-02. Review status: criteria provided, single submitter. Criteria: Ambry Variant Classification Scheme 2023. Collection method: clinical testing. Allele origin: germline.
Comment: The p.K529N variant (also known as c.1587G>C), located in coding exon 13 of the BAP1 gene, results from a G to C substitution at nucleotide position 1587. The lysine at codon 529 is replaced by asparagine, an amino acid with similar properties. This amino acid position is conserved. In addition, this alteration is predicted to be tolerated by in silico analysis. Based on the available evidence, the clinical significance of this variant remains unclear.

Color Diagnostics, LLC DBA Color Health
Classification: Uncertain significance for Hereditary cancer-predisposing syndrome. Last evaluated: 2023-12-05. Review status: criteria provided, single submitter. Criteria: ACMG Guidelines, 2015. Collection method: clinical testing. Allele origin: germline.
Comment: This missense variant replaces lysine with asparagine at codon 529 of the BAP1 protein. Computational prediction suggests that this variant may not impact protein structure and function (internally defined REVEL score threshold <= 0.5, PMID: 27666373). To our knowledge, functional studies have not been reported for this variant. This variant has not been reported in individuals affected with BAP1-related disorders in the literature. This variant has not been identified in the general population by the Genome Aggregation Database (gnomAD). The available evidence is insufficient to determine the role of this variant in disease conclusively. Therefore, this variant is classified as a Variant of Uncertain Significance.

NM_004656.4(BAP1):c.1587G>C (p.Lys529Asn)

Gene: BAP1 (BRCA1 associated deubiquitinase 1; minus strand). Cytogenetic location: 3p21.1.
Variant type: single nucleotide variant.
Coding change: c.1587G>C on transcript NM_004656.4 (MANE Select); coding-DNA position 1587, G replaced by C.
Protein change: p.Lys529Asn; replaces lysine 529 with asparagine.
Molecular consequence: missense variant.
Genome position (GRCh38, 1-based): chr3:52,403,558, C>G on the plus strand (G>C on the coding strand, the complement: BAP1 is on the minus strand). VCF-style: chr3-52403558-C-G. GRCh37 (hg19) VCF-style: chr3-52437574-C-G.
Other names: c.1587G>C (NM_004656.2); short protein forms K529N.
Identifiers: ClinVar variation 490799 (VCV000490799.7), dbSNP rs1553644868, ClinGen allele CA353100546.